The following is an entry in ClinVar:

NM_001283009.2(RTEL1):c.2526A>C (p.Glu842Asp)

Genes: RTEL1 (regulator of telomere elongation helicase 1; plus strand), RTEL1-TNFRSF6B (RTEL1-TNFRSF6B readthrough (NMD candidate); plus strand). Cytogenetic location: 20q13.33.
Variant type: single nucleotide variant.
Coding change: c.2526A>C on transcript NM_001283009.2 (MANE Select); coding-DNA position 2526, A replaced by C.
Protein change: p.Glu842Asp; replaces glutamic acid 842 with aspartic acid.
Molecular consequence: missense variant. On other transcripts: non-coding transcript variant (1).
Genome position (GRCh38, 1-based): chr20:63,690,917, A>C. VCF-style: chr20-63690917-A-C. GRCh37 (hg19) VCF-style: chr20-62322270-A-C.
Other names: c.1857A>C, p.Glu619Asp (NM_001283010.1); c.2526A>C, p.Glu842Asp (NM_016434.4); c.2598A>C, p.Glu866Asp (NM_032957.5); short protein forms E619D, E842D, E866D.
Identifiers: ClinVar variation 1464992 (VCV001464992.12), dbSNP rs2145434771, ClinGen allele CA409681759.

ClinVar aggregate classification (germline): Uncertain significance (1 of 4 stars; one submission).

Conditions:
Pulmonary fibrosis and/or bone marrow failure, Telomere-related, 3. Also called: PULMONARY FIBROSIS AND/OR BONE MARROW FAILURE SYNDROME, TELOMERE-RELATED, 3. Identifiers: Orphanet 2032, MedGen C4225346, MONDO:0014613, OMIM 616373.
Dyskeratosis congenita, autosomal recessive 5 (DKCB5). Identifiers: MedGen C3554656, MONDO:0014076, OMIM 615190.

Submission:

Labcorp Genetics (formerly Invitae), Labcorp
Classification: Uncertain significance for Dyskeratosis congenita, autosomal recessive 5; Pulmonary fibrosis and/or bone marrow failure, Telomere-related, 3. Last evaluated: 2024-09-15. Review status: criteria provided, single submitter. Criteria: Invitae Variant Classification Sherloc (09022015). Collection method: clinical testing. Allele origin: germline.
Comment: This sequence change replaces glutamic acid, which is acidic and polar, with aspartic acid, which is acidic and polar, at codon 842 of the RTEL1 protein (p.Glu842Asp). This variant is not present in population databases (gnomAD no frequency). This variant has not been reported in the literature in individuals affected with RTEL1-related conditions. ClinVar contains an entry for this variant (Variation ID: 1464992). An algorithm developed to predict the effect of missense changes on protein structure and function (PolyPhen-2) suggests that this variant is likely to be tolerated. In summary, the available evidence is currently insufficient to determine the role of this variant in disease. Therefore, it has been classified as a Variant of Uncertain Significance.